The following is an entry in ClinVar:

ClinVar aggregate classification (germline): Uncertain significance (1 of 4 stars; one submission).

gnomAD v4.1: 1 of 1,613,890 alleles (0.000062%); highest among the groups gnomAD compares: South Asian, 0.0011%; no homozygotes.

Submission:

Labcorp Genetics (formerly Invitae), Labcorp
Classification: Uncertain significance. Last evaluated: 2024-11-07. Review status: criteria provided, single submitter. Criteria: Invitae Variant Classification Sherloc (09022015). Collection method: clinical testing. Allele origin: germline.
Comment: This sequence change replaces lysine, which is basic and polar, with glutamic acid, which is acidic and polar, at codon 143 of the USH2A protein (p.Lys143Glu). This variant is not present in population databases (gnomAD no frequency). This variant has not been reported in the literature in individuals affected with USH2A-related conditions. Invitae Evidence Modeling of protein sequence and biophysical properties (such as structural, functional, and spatial information, amino acid conservation, physicochemical variation, residue mobility, and thermodynamic stability) indicates that this missense variant is not expected to disrupt USH2A protein function with a negative predictive value of 95%. In summary, the available evidence is currently insufficient to determine the role of this variant in disease. Therefore, it has been classified as a Variant of Uncertain Significance.

NM_206933.4(USH2A):c.427A>G (p.Lys143Glu)

Gene: USH2A (usherin; minus strand). Cytogenetic location: 1q41.
Variant type: single nucleotide variant.
Coding change: c.427A>G on transcript NM_206933.4 (MANE Select); coding-DNA position 427, A replaced by G.
Protein change: p.Lys143Glu; replaces lysine 143 with glutamic acid.
Molecular consequence: missense variant.
Genome position (GRCh38, 1-based): chr1:216,421,910, T>C on the plus strand (A>G on the coding strand, the complement: USH2A is on the minus strand). VCF-style: chr1-216421910-T-C. GRCh37 (hg19) VCF-style: chr1-216595252-T-C.
Other names: c.427A>G, p.Lys143Glu (NM_007123.6); short protein forms K143E.
Identifiers: ClinVar variation 3621935 (VCV003621935.2).